The following is an entry in ClinVar:

NM_001354640.2(CIROP):c.2238C>T (p.Ile746=)

Genes: C14orf119 (chromosome 14 open reading frame 119; plus strand), CIROP (ciliated left-right organizer metallopeptidase; minus strand). Cytogenetic location: 14q11.2.
Variant type: single nucleotide variant.
Coding change: c.2238C>T on transcript NM_001354640.2 (MANE Select); coding-DNA position 2238, C replaced by T.
Protein change: p.Ile746=; no amino-acid change (isoleucine 746 retained).
Molecular consequence: synonymous variant. On other transcripts: 3 prime UTR variant (1).
Genome position (GRCh38, 1-based): chr14:23,099,411, G>A on the plus strand (C>T on the coding strand, the complement: CIROP is on the minus strand). VCF-style: chr14-23099411-G-A. GRCh37 (hg19) VCF-style: chr14-23568620-G-A.
Other names: c.2073C>T, p.Ile691= (NM_001402427.1); c.*1330G>A (NM_017924.4).
Identifiers: ClinVar variation 4820846 (VCV004820846.4).

ClinVar aggregate classification (germline): Likely benign (1 of 4 stars; one submission).

gnomAD v4.1: 1,467 of 413,510 alleles (0.35%); highest among the groups gnomAD compares: Non-Finnish European, 0.53%; 6 homozygotes.

Submission:

CeGaT Center for Human Genetics Tuebingen
Classification: Likely benign. Last evaluated: 2026-01-01. Review status: criteria provided, single submitter. Criteria: CeGaT Center For Human Genetics Tuebingen Variant Classification Criteria Version 2. Collection method: clinical testing. Allele origin: germline. Affected: yes. Observed: 1 variant allele.
Comment: CIROP: BS2